The following is an entry in ClinVar:

NM_001303256.3(MORC2):c.2329T>C (p.Ser777Pro)

Gene: MORC2 (MORC family CW-type zinc finger 2; minus strand). Cytogenetic location: 22q12.2.
Variant type: single nucleotide variant.
Coding change: c.2329T>C on transcript NM_001303256.3 (MANE Select); coding-DNA position 2329, T replaced by C.
Protein change: p.Ser777Pro; replaces serine 777 with proline.
Molecular consequence: missense variant.
Genome position (GRCh38, 1-based): chr22:30,933,517, A>G on the plus strand (T>C on the coding strand, the complement: MORC2 is on the minus strand). VCF-style: chr22-30933517-A-G. GRCh37 (hg19) VCF-style: chr22-31329504-A-G.
Other names: c.2329T>C, p.Ser777Pro (NM_001303257.2); c.2143T>C, p.Ser715Pro (NM_014941.3); short protein forms S777P, S715P.
Identifiers: ClinVar variation 2706408 (VCV002706408.3), dbSNP rs2517573597, ClinGen allele CA411233019.

ClinVar aggregate classification (germline): Uncertain significance (1 of 4 stars; one submission).

Conditions:
Charcot-Marie-Tooth disease axonal type 2Z. Also called: CHARCOT-MARIE-TOOTH DISEASE, AXONAL, AUTOSOMAL DOMINANT, TYPE 2Z; CHARCOT-MARIE-TOOTH NEUROPATHY, TYPE 2Z. Identifiers: Orphanet 466768, MedGen C5569025, MONDO:0014736, OMIM 616688.

Submission:

Labcorp Genetics (formerly Invitae), Labcorp
Classification: Uncertain significance for Charcot-Marie-Tooth disease axonal type 2Z. Last evaluated: 2023-12-30. Review status: criteria provided, single submitter. Criteria: Invitae Variant Classification Sherloc (09022015). Collection method: clinical testing. Allele origin: germline.
Comment: This sequence change replaces serine, which is neutral and polar, with proline, which is neutral and non-polar, at codon 777 of the MORC2 protein (p.Ser777Pro). This variant is not present in population databases (gnomAD no frequency). This variant has not been reported in the literature in individuals affected with MORC2-related conditions. Advanced modeling of protein sequence and biophysical properties (such as structural, functional, and spatial information, amino acid conservation, physicochemical variation, residue mobility, and thermodynamic stability) performed at Invitae indicates that this missense variant is not expected to disrupt MORC2 protein function with a negative predictive value of 95%. In summary, the available evidence is currently insufficient to determine the role of this variant in disease. Therefore, it has been classified as a Variant of Uncertain Significance.